The following is an entry in ClinVar:

NM_000089.4(COL1A2):c.1971+4C>T

Gene: COL1A2 (collagen type I alpha 2 chain; plus strand). Cytogenetic location: 7q21.3.
Variant type: single nucleotide variant.
Coding change: c.1971+4C>T on transcript NM_000089.4 (MANE Select); 4 bases into the intron after coding-DNA position 1971, C replaced by T.
Molecular consequence: intron variant.
Genome position (GRCh38, 1-based): chr7:94,417,835, C>T. VCF-style: chr7-94417835-C-T. GRCh37 (hg19) VCF-style: chr7-94047147-C-T.
Identifiers: ClinVar variation 2158369 (VCV002158369.4), dbSNP rs1433899167, ClinGen allele CA576323029.

ClinVar aggregate classification (germline): Uncertain significance (1 of 4 stars; one submission).

Conditions:
Ehlers-Danlos syndrome, classic type, 1 (EDSCL1). Also called: Ehlers-Danlos Syndrome, Classic Type, COL5A1-Related; EHLERS-DANLOS SYNDROME, GRAVIS TYPE; EHLERS-DANLOS SYNDROME, SEVERE CLASSIC TYPE; Ehlers-Danlos syndrome, type 1; EDS I. Identifiers: MedGen C0268335, MONDO:0019567, OMIM 130000.
Osteogenesis imperfecta type I (OI1). Also called: OI, TYPE I; OSTEOGENESIS IMPERFECTA TARDA; OSTEOGENESIS IMPERFECTA WITH BLUE SCLERAE; Osteogenesis imperfecta type 1; Classic Non-deforming Osteogenesis Imperfecta with Blue Sclerae; Lobstein's Disease. Identifiers: Orphanet 216796, Orphanet 666, MedGen C0023931, MONDO:0008146, OMIM 166200. Disease mechanism: loss of function.

Allele frequency attached by ClinVar (database versions not stated): gnomAD 0.00001; TOPMed 0.00001; gnomAD exomes 0.00001.
gnomAD v4.1: 10 of 1,583,936 alleles (0.00063%); highest among the groups gnomAD compares: South Asian, 0.0058%; no homozygotes.

Submission:

Labcorp Genetics (formerly Invitae), Labcorp
Classification: Uncertain significance for Osteogenesis imperfecta type I; Ehlers-Danlos syndrome, classic type, 1. Last evaluated: 2025-07-14. Review status: criteria provided, single submitter. Criteria: Invitae Variant Classification Sherloc (09022015). Collection method: clinical testing. Allele origin: germline.
Comment: This sequence change falls in intron 32 of the COL1A2 gene. It does not directly change the encoded amino acid sequence of the COL1A2 protein. It affects a nucleotide within the consensus splice site. The frequency data for this variant in the population databases is considered unreliable, as metrics indicate poor data quality at this position in the gnomAD database. This variant has not been reported in the literature in individuals affected with COL1A2-related conditions. ClinVar contains an entry for this variant (Variation ID: 2158369). Variants that disrupt the consensus splice site are a relatively common cause of aberrant splicing (PMID: 17576681, 9536098). Algorithms developed to predict the effect of sequence changes on RNA splicing suggest that this variant is not likely to affect RNA splicing. In summary, the available evidence is currently insufficient to determine the role of this variant in disease. Therefore, it has been classified as a Variant of Uncertain Significance.

Literature cited by the submitters: PubMed 17576681; PubMed 9536098.